The following is an entry in ClinVar:

NM_000218.3(KCNQ1):c.1394-1786T>A

Genes: KCNQ1 (potassium voltage-gated channel subfamily Q member 1; plus strand), KCNQ1OT1 (KCNQ1 opposite strand/antisense transcript 1; minus strand). Cytogenetic location: 11p15.5.
Variant type: single nucleotide variant.
Coding change: c.1394-1786T>A on transcript NM_000218.3 (MANE Select); 1786 bases into the intron before coding-DNA position 1394, T replaced by A.
Molecular consequence: intron variant.
Genome position (GRCh38, 1-based): chr11:2,660,175, T>A. VCF-style: chr11-2660175-T-A. GRCh37 (hg19) VCF-style: chr11-2681405-T-A.
Other names: c.1124-1786T>A (NM_001406837.1); c.1298-1786T>A (NM_001406836.1); c.854-1786T>A (NM_001406838.1); c.1013-1786T>A (NM_181798.2).
Identifiers: ClinVar variation 1711298 (VCV001711298.31), dbSNP rs183160807, ClinGen allele CA216169159.

ClinVar aggregate classification (germline): Benign/Likely benign. Review status: criteria provided, multiple submitters, no conflicts (2 of 4 stars). 2 submissions from 2 submitters: Benign (1); Likely benign (1). Last evaluated 2026-03-01.

Allele frequency attached by ClinVar (database versions not stated): 1000 Genomes Project 0.00060; 1000 Genomes Project 30x 0.00078; TOPMed 0.00082; gnomAD 0.00133; gnomAD exomes 0.00136.
gnomAD v4.1: 534 of 398,244 alleles (0.13%); highest among the groups gnomAD compares: Non-Finnish European, 0.14%; 2 homozygotes.

Submissions (2):

CeGaT Center for Human Genetics Tuebingen
Classification: Benign. Last evaluated: 2026-03-01. Review status: criteria provided, single submitter. Criteria: CeGaT Center For Human Genetics Tuebingen Variant Classification Criteria Version 2. Collection method: clinical testing. Allele origin: germline. Affected: yes. Observed: 12 variant alleles.
Comment: KCNQ1OT1: BS1, BS2

Blueprint Genetics
Classification: Likely benign. Last evaluated: 2024-11-08. Review status: criteria provided, single submitter. Criteria: ACMG Guidelines, 2015. Collection method: clinical testing. Allele origin: germline.